The following is an entry in ClinVar:

ClinVar aggregate classification (germline): Likely benign. Review status: criteria provided, multiple submitters, no conflicts (2 of 4 stars). 4 submissions from 4 submitters: Likely benign (4). Last evaluated 2025-06-26.

Conditions:
RECQL4-related disorder. Also called: RECQL4-related disorders; RECQL4-related condition.
Inborn genetic diseases. Identifiers: MedGen C0950123, MeSH D030342.
Hereditary cancer-predisposing syndrome. Also called: Tumor predisposition; Hereditary neoplastic syndrome; Neoplastic Syndromes, Hereditary; Hereditary Cancer Syndrome. Identifiers: Orphanet 140162, MedGen C0027672, MeSH D009386, MONDO:0015356.
Baller-Gerold syndrome (BGS). Also called: CRANIOSYNOSTOSIS WITH RADIAL DEFECTS. Identifiers: Orphanet 1225, MedGen C0265308, MONDO:0009039, OMIM 218600.

Allele frequency attached by ClinVar (database versions not stated): gnomAD exomes 0.00002 and 0.00003; TOPMed 0.00006; ExAC 0.00008; gnomAD 0.00010 and 0.00011.
gnomAD v4.1: 46 of 1,578,682 alleles (0.0029%); highest among the groups gnomAD compares: African/African-American, 0.034%; no homozygotes.

Submissions (4):

PreventionGenetics, part of Exact Sciences
Classification: Likely benign for RECQL4-related condition. Last evaluated: 2025-06-26. Review status: criteria provided, single submitter. Criteria: ACMG Guidelines, 2015. Collection method: clinical testing. Allele origin: germline.
Comment: This variant is classified as likely benign based on ACMG/AMP sequence variant interpretation guidelines (Richards et al. 2015 PMID: 25741868, with internal and published modifications).

Labcorp Genetics (formerly Invitae), Labcorp
Classification: Likely benign for Baller-Gerold syndrome. Last evaluated: 2025-05-01. Review status: criteria provided, single submitter. Criteria: Invitae Variant Classification Sherloc (09022015). Collection method: clinical testing. Allele origin: germline.

Ambry Genetics
Classification: Likely benign for Inborn genetic diseases. Last evaluated: 2025-03-14. Review status: criteria provided, single submitter. Criteria: Ambry Variant Classification Scheme 2023. Collection method: clinical testing. Allele origin: germline.

Sema4
Classification: Likely benign for Hereditary cancer-predisposing syndrome. Last evaluated: 2021-02-07. Review status: criteria provided, single submitter. Criteria: Sema4 Curation Guidelines. Collection method: curation. Allele origin: germline.

NM_004260.4(RECQL4):c.2670C>T (p.Ala890=)

Gene: RECQL4 (RecQ like helicase 4; minus strand). Cytogenetic location: 8q24.3.
Variant type: single nucleotide variant.
Coding change: c.2670C>T on transcript NM_004260.4 (MANE Select); coding-DNA position 2670, C replaced by T.
Protein change: p.Ala890=; no amino-acid change (alanine 890 retained).
Molecular consequence: synonymous variant.
Genome position (GRCh38, 1-based): chr8:144,512,932, G>A on the plus strand (C>T on the coding strand, the complement: RECQL4 is on the minus strand). VCF-style: chr8-144512932-G-A. GRCh37 (hg19) VCF-style: chr8-145738315-G-A.
Identifiers: ClinVar variation 459421 (VCV000459421.14), dbSNP rs780935988, ClinGen allele CA4948153.